The following is an entry in ClinVar:

ClinVar aggregate classification (germline): Uncertain significance (1 of 4 stars; one submission).

Submission:

Ambry Genetics
Classification: Uncertain significance. Last evaluated: 2025-02-05. Review status: criteria provided, single submitter. Criteria: Ambry Variant Classification Scheme 2023. Collection method: clinical testing. Allele origin: germline.
Comment: The p.L560F variant (also known as c.1678C>T), located in coding exon 2 of the CDK12 gene, results from a C to T substitution at nucleotide position 1678. The leucine at codon 560 is replaced by phenylalanine, an amino acid with highly similar properties. This amino acid position is conserved. In addition, this alteration is predicted to be tolerated by in silico analysis. Based on the available evidence, the clinical significance of this variant remains unclear.

NM_016507.4(CDK12):c.1678C>T (p.Leu560Phe)

Gene: CDK12 (cyclin dependent kinase 12; plus strand). Cytogenetic location: 17q12.
Variant type: single nucleotide variant.
Coding change: c.1678C>T on transcript NM_016507.4 (MANE Select); coding-DNA position 1678, C replaced by T.
Protein change: p.Leu560Phe; replaces leucine 560 with phenylalanine.
Molecular consequence: missense variant.
Genome position (GRCh38, 1-based): chr17:39,471,510, C>T. VCF-style: chr17-39471510-C-T. GRCh37 (hg19) VCF-style: chr17-37627763-C-T.
Other names: c.1678C>T, p.Leu560Phe (NM_015083.4); short protein forms L560F.
Identifiers: ClinVar variation 3830614 (VCV003830614.1).